The following is an entry in ClinVar:

ClinVar aggregate classification (germline): Uncertain significance. Review status: criteria provided, multiple submitters, no conflicts (2 of 4 stars). 2 submissions from 2 submitters: Uncertain significance (2). Last evaluated 2025-08-04.

Conditions:
Hyperphosphatasia with impaired intellectual development syndrome 2. Also called: Hyperphosphatasia with intellectual disability syndrome 2; GLYCOSYLPHOSPHATIDYLINOSITOL BIOSYNTHESIS DEFECT 6. Identifiers: Orphanet 247262, MedGen C3553637, MONDO:0013882, OMIM 614749.

Allele frequency attached by ClinVar (database versions not stated): ExAC 0.00002; gnomAD exomes 0.00002; TOPMed 0.00002.
gnomAD v4.1: 10 of 1,614,160 alleles (0.00062%); highest among the groups gnomAD compares: East Asian, 0.0089%; no homozygotes.

Submissions (2):

Labcorp Genetics (formerly Invitae), Labcorp
Classification: Uncertain significance for Hyperphosphatasia with impaired intellectual development syndrome 2. Last evaluated: 2025-08-04. Review status: criteria provided, single submitter. Criteria: Invitae Variant Classification Sherloc (09022015). Collection method: clinical testing. Allele origin: germline.
Comment: This sequence change replaces arginine, which is basic and polar, with glutamine, which is neutral and polar, at codon 79 of the PIGO protein (p.Arg79Gln). This variant is present in population databases (rs759013444, gnomAD 0.02%). This variant has not been reported in the literature in individuals affected with PIGO-related conditions. ClinVar contains an entry for this variant (Variation ID: 934544). Invitae Evidence Modeling of protein sequence and biophysical properties (such as structural, functional, and spatial information, amino acid conservation, physicochemical variation, residue mobility, and thermodynamic stability) has been performed for this missense variant. However, the output from this modeling did not meet the statistical confidence thresholds required to predict the impact of this variant on PIGO protein function. In summary, the available evidence is currently insufficient to determine the role of this variant in disease. Therefore, it has been classified as a Variant of Uncertain Significance.

GeneDx
Classification: Uncertain significance. Last evaluated: 2022-01-21. Review status: criteria provided, single submitter. Criteria: GeneDx Variant Classification Process June 2021. Collection method: clinical testing. Allele origin: germline. Affected: yes.
Comment: In silico analysis supports that this missense variant has a deleterious effect on protein structure/function; Has not been previously published as pathogenic or benign to our knowledge; This variant is associated with the following publications: (PMID: 24417746)

NM_032634.4(PIGO):c.236G>A (p.Arg79Gln)

Gene: PIGO (phosphatidylinositol glycan anchor biosynthesis class O; minus strand). Cytogenetic location: 9p13.3.
Variant type: single nucleotide variant.
Coding change: c.236G>A on transcript NM_032634.4 (MANE Select); coding-DNA position 236, G replaced by A.
Protein change: p.Arg79Gln; replaces arginine 79 with glutamine.
Molecular consequence: missense variant.
Genome position (GRCh38, 1-based): chr9:35,095,330, C>T on the plus strand (G>A on the coding strand, the complement: PIGO is on the minus strand). VCF-style: chr9-35095330-C-T. GRCh37 (hg19) VCF-style: chr9-35095327-C-T.
Other names: c.236G>A, p.Arg79Gln (NM_001201484.2, NM_152850.4); short protein forms R79Q.
Identifiers: ClinVar variation 934544 (VCV000934544.10), dbSNP rs759013444, ClinGen allele CA5040990.